The following is an entry in ClinVar:

ClinVar aggregate classification (germline): Uncertain significance (1 of 4 stars; one submission).

gnomAD v4.1: 10 of 1,613,612 alleles (0.00062%); highest among the groups gnomAD compares: Non-Finnish European, 0.00085%; no homozygotes.

Submission:

ARUP Laboratories, Molecular Genetics and Genomics, ARUP Laboratories
Classification: Uncertain significance. Last evaluated: 2021-04-20. Review status: criteria provided, single submitter. Criteria: ARUP Molecular Germline Variant Investigation Process 2021. Collection method: clinical testing. Allele origin: germline.
Comment: The HBG2 c.358G>C; p.Gly120Arg variant (also known as Gly119Arg when numbered from the mature protein), to our knowledge, is not reported in the medical literature or gene specific databases. This variant is absent from the Genome Aggregation Database, indicating it is not a common polymorphism. The glycine at codon 120 is moderately conserved, but computational analyses are uncertain whether this variant is neutral or deleterious (REVEL: 0.512). However, given the lack of clinical and functional data, the significance of the p.Gly120Arg variant is uncertain at this time.

NM_000184.3(HBG2):c.358G>C (p.Gly120Arg)

Gene: HBG2 (hemoglobin subunit gamma 2; minus strand). Cytogenetic location: 11p15.4.
Variant type: single nucleotide variant.
Coding change: c.358G>C on transcript NM_000184.3 (MANE Select); coding-DNA position 358, G replaced by C.
Protein change: p.Gly120Arg; replaces glycine 120 with arginine.
Molecular consequence: missense variant.
Genome position (GRCh38, 1-based): chr11:5,253,363, C>G on the plus strand (G>C on the coding strand, the complement: HBG2 is on the minus strand). VCF-style: chr11-5253363-C-G. GRCh37 (hg19) VCF-style: chr11-5274593-C-G.
Other names: short protein forms G120R.
Identifiers: ClinVar variation 1330947 (VCV001330947.7), dbSNP rs765691029, ClinGen allele CA379263631.